The following is an entry in ClinVar:

ClinVar aggregate classification (germline): Likely pathogenic (1 of 4 stars; one submission).

Allele frequency attached by ClinVar (database versions not stated): ExAC 0.00001.

Submission:

Labcorp Genetics (formerly Invitae), Labcorp
Classification: Likely pathogenic. Last evaluated: 2023-08-30. Review status: criteria provided, single submitter. Criteria: Invitae Variant Classification Sherloc (09022015). Collection method: clinical testing. Allele origin: germline.
Comment: In summary, the currently available evidence indicates that the variant is pathogenic, but additional data are needed to prove that conclusively. Therefore, this variant has been classified as Likely Pathogenic. Algorithms developed to predict the effect of sequence changes on RNA splicing suggest that this variant may disrupt the consensus splice site. ClinVar contains an entry for this variant (Variation ID: 1942932). This variant has not been reported in the literature in individuals affected with DEAF1-related conditions. This variant is present in population databases (rs781365086, gnomAD 0.003%). This sequence change affects an acceptor splice site in intron 8 of the DEAF1 gene. It is expected to disrupt RNA splicing. Variants that disrupt the donor or acceptor splice site typically lead to a loss of protein function (PMID: 16199547), and loss-of-function variants in DEAF1 are known to be pathogenic (PMID: 30923367).

Literature cited by the submitters: PubMed 16199547; PubMed 30923367.

NM_021008.4(DEAF1):c.1127-2A>G

Gene: DEAF1 (DEAF1 transcription factor; minus strand). Cytogenetic location: 11p15.5.
Variant type: single nucleotide variant.
Coding change: c.1127-2A>G on transcript NM_021008.4 (MANE Select); the canonical splice acceptor site of the intron before coding-DNA position 1127, A replaced by G.
Molecular consequence: splice acceptor variant. On other transcripts: intron variant (1).
Genome position (GRCh38, 1-based): chr11:678,824, T>C on the plus strand (A>G on the coding strand, the complement: DEAF1 is on the minus strand). VCF-style: chr11-678824-T-C. GRCh37 (hg19) VCF-style: chr11-678824-T-C.
Other names: c.401-2A>G (NM_001367390.1, NM_001440885.1, NM_001440887.1 and 1 more transcripts); c.860-2A>G (NM_001293634.2); c.1126+864A>G (NM_001440884.1); c.1127-2A>G (NM_001440883.1).
Identifiers: ClinVar variation 1942932 (VCV001942932.5), dbSNP rs781365086, ClinGen allele CA5786297.